The following is an entry in ClinVar:

NM_001367624.2(ZNF469):c.5294T>G (p.Leu1765Arg)

Gene: ZNF469 (zinc finger protein 469; plus strand). Cytogenetic location: 16q24.2.
Variant type: single nucleotide variant.
Coding change: c.5294T>G on transcript NM_001367624.2 (MANE Select); coding-DNA position 5294, T replaced by G.
Protein change: p.Leu1765Arg; replaces leucine 1765 with arginine.
Molecular consequence: missense variant.
Genome position (GRCh38, 1-based): chr16:88,432,764, T>G. VCF-style: chr16-88432764-T-G. GRCh37 (hg19) VCF-style: chr16-88499172-T-G.
Other names: NM_001127464.1:c.5210T>G; short protein forms L1765R.
Identifiers: ClinVar variation 2180693 (VCV002180693.3), dbSNP rs546280073, ClinGen allele CA8225062.

ClinVar aggregate classification (germline): Conflicting classifications of pathogenicity. Review status: criteria provided, conflicting classifications (1 of 4 stars). 3 submissions from 3 submitters: Uncertain significance (2); Likely benign (1). Last evaluated 2025-05-22.

Conditions:
Cardiovascular phenotype. Identifiers: MedGen CN230736.

Allele frequency attached by ClinVar (database versions not stated): 1000 Genomes Project 30x 0.00031; 1000 Genomes Project 0.00040; gnomAD 0.00005; ExAC 0.00005; TOPMed 0.00008.
gnomAD v4.1: 29 of 1,550,406 alleles (0.0019%); highest among the groups gnomAD compares: East Asian, 0.068%; no homozygotes.

Submissions (3):

Ambry Genetics
Classification: Likely benign for Cardiovascular phenotype. Last evaluated: 2025-05-22. Review status: criteria provided, single submitter. Criteria: Ambry Variant Classification Scheme 2023. Collection method: clinical testing. Allele origin: germline.

GeneDx
Classification: Uncertain significance. Last evaluated: 2023-11-07. Review status: criteria provided, single submitter. Criteria: GeneDx Variant Classification Process June 2021. Collection method: clinical testing. Allele origin: germline. Affected: yes.
Comment: In silico analysis supports that this missense variant does not alter protein structure/function; Has not been previously published as pathogenic or benign to our knowledge

Labcorp Genetics (formerly Invitae), Labcorp
Classification: Uncertain significance. Last evaluated: 2022-10-04. Review status: criteria provided, single submitter. Criteria: Invitae Variant Classification Sherloc (09022015). Collection method: clinical testing. Allele origin: germline.
Comment: This sequence change replaces leucine, which is neutral and non-polar, with arginine, which is basic and polar, at codon 1737 of the ZNF469 protein (p.Leu1737Arg). This variant is present in population databases (rs546280073, gnomAD 0.08%). This variant has not been reported in the literature in individuals affected with ZNF469-related conditions. Algorithms developed to predict the effect of missense changes on protein structure and function are either unavailable or do not agree on the potential impact of this missense change (SIFT: "Tolerated"; PolyPhen-2: "Possibly Damaging"; Align-GVGD: "Class C0"). In summary, the available evidence is currently insufficient to determine the role of this variant in disease. Therefore, it has been classified as a Variant of Uncertain Significance.